The following is an entry in ClinVar:

ClinVar aggregate classification (germline): Uncertain significance (1 of 4 stars; one submission).

Allele frequency attached by ClinVar (database versions not stated): ExAC 0.00001.
gnomAD v4.1: 1 of 1,614,176 alleles (0.000062%); highest among the groups gnomAD compares: Non-Finnish European, 0.000085%; no homozygotes.

Submission:

GeneDx
Classification: Uncertain significance. Last evaluated: 2022-04-18. Review status: criteria provided, single submitter. Criteria: GeneDx Variant Classification Process June 2021. Collection method: clinical testing. Allele origin: germline. Affected: yes.
Comment: Not observed at significant frequency in large population cohorts (gnomAD); In silico analysis supports that this missense variant has a deleterious effect on protein structure/function; Has not been previously published as pathogenic or benign to our knowledge

NM_001148.6(ANK2):c.3235G>T (p.Val1079Leu)

Gene: ANK2 (ankyrin 2; plus strand). Cytogenetic location: 4q26.
Variant type: single nucleotide variant.
Coding change: c.3235G>T on transcript NM_001148.6 (MANE Select); coding-DNA position 3235, G replaced by T.
Protein change: p.Val1079Leu; replaces valine 1079 with leucine.
Molecular consequence: missense variant.
Genome position (GRCh38, 1-based): chr4:113,333,064, G>T. VCF-style: chr4-113333064-G-T. GRCh37 (hg19) VCF-style: chr4-114254220-G-T.
Other names: c.3208G>T, p.Val1070Leu (NM_001127493.3); c.3247G>T, p.Val1083Leu (NM_001354225.2); c.3136G>T, p.Val1046Leu (NM_001354228.2, NM_001354258.2); c.3214G>T, p.Val1072Leu (NM_001354230.2); c.3277G>T, p.Val1093Leu (NM_001354231.2, NM_001354242.2); c.3271G>T, p.Val1091Leu (NM_001354232.2); c.3232G>T, p.Val1078Leu (NM_001354235.2, NM_001354246.2, NM_001354265.2); c.3133G>T, p.Val1045Leu (NM_001354236.2); and 28 more; short protein forms V1004L, V1008L, V1012L, V1013L, V1017L, V1025L, V1027L, V1032L.
Identifiers: ClinVar variation 1711972 (VCV001711972.2), dbSNP rs774214850, ClinGen allele CA3050812.
Genomic context (GRCh38, chr4:113,333,064, plus strand): 5'-GCTGTTAGTTAGCTCCTGTCCACACTGAATGTTCTGCATTGCTATGTCAGGCCTGTGATC[G>T]TGGAGATCCCTCACTTTGCGGCCCTTCGAGGAAAGGAAAGGGAACTGGTGGTCCTGCGCA-3'
Protein context (NP_001139.3, residues 1069-1089): PGTKFLGPVI[Val1079Leu]EIPHFAALRG